The following is an entry in ClinVar:

ClinVar aggregate classification (germline): Uncertain significance (1 of 4 stars; one submission).

Conditions:
Nephronophthisis 14 (NPHP14). Identifiers: Orphanet 2318, MedGen C3539071, MONDO:0013916, OMIM 614844.

Allele frequency attached by ClinVar (database versions not stated): TOPMed 0.00003; 1000 Genomes Project 30x 0.00016; 1000 Genomes Project 0.00020.
gnomAD v4.1: 119 of 1,614,122 alleles (0.0074%); highest among the groups gnomAD compares: African/African-American, 0.019%; no homozygotes.

Submission:

Labcorp Genetics (formerly Invitae), Labcorp
Classification: Uncertain significance for Nephronophthisis 14. Last evaluated: 2023-07-17. Review status: criteria provided, single submitter. Criteria: Invitae Variant Classification Sherloc (09022015). Collection method: clinical testing. Allele origin: germline.
Comment: In summary, the available evidence is currently insufficient to determine the role of this variant in disease. Therefore, it has been classified as a Variant of Uncertain Significance. Advanced modeling of protein sequence and biophysical properties (such as structural, functional, and spatial information, amino acid conservation, physicochemical variation, residue mobility, and thermodynamic stability) performed at Invitae indicates that this missense variant is not expected to disrupt ZNF423 protein function. ClinVar contains an entry for this variant (Variation ID: 971587). This variant has not been reported in the literature in individuals affected with ZNF423-related conditions. This variant is present in population databases (rs573032120, gnomAD 0.02%). This sequence change replaces threonine, which is neutral and polar, with methionine, which is neutral and non-polar, at codon 556 of the ZNF423 protein (p.Thr556Met).

NM_001379286.1(ZNF423):c.1691C>T (p.Thr564Met)

Gene: ZNF423 (zinc finger protein 423; minus strand). Cytogenetic location: 16q12.1.
Variant type: single nucleotide variant.
Coding change: c.1691C>T on transcript NM_001379286.1 (MANE Select); coding-DNA position 1691, C replaced by T.
Protein change: p.Thr564Met; replaces threonine 564 with methionine.
Molecular consequence: missense variant.
Genome position (GRCh38, 1-based): chr16:49,637,485, G>A on the plus strand (C>T on the coding strand, the complement: ZNF423 is on the minus strand). VCF-style: chr16-49637485-G-A. GRCh37 (hg19) VCF-style: chr16-49671396-G-A.
Other names: c.1487C>T, p.Thr496Met (NM_001271620.2); c.1316C>T, p.Thr439Met (NM_001330533.2); c.1667C>T, p.Thr556Met (NM_015069.5); short protein forms T439M, T564M, T556M, T496M.
Identifiers: ClinVar variation 971587 (VCV000971587.7), dbSNP rs573032120, ClinGen allele CA8046637.